The following is an entry in ClinVar:

ClinVar aggregate classification (germline): Uncertain significance. Review status: criteria provided, multiple submitters, no conflicts (2 of 4 stars). 2 submissions from 2 submitters: Uncertain significance (2). Last evaluated 2022-08-15.

Conditions:
Spermatogenic failure 18. Identifiers: MedGen C4539783, MONDO:0054615, OMIM 617576.
Ciliary dyskinesia, primary, 37 (CILD37). Also called: CILIARY DYSKINESIA, PRIMARY, 37, WITH OR WITHOUT SITUS INVERSUS. Identifiers: MedGen C4539798, MONDO:0033204, OMIM 617577.

Allele frequency attached by ClinVar (database versions not stated): ExAC 0.00001; gnomAD 0.00001; gnomAD exomes 0.00001; TOPMed 0.00002; ESP Exome Variant Server 0.00008.
gnomAD v4.1: 12 of 1,611,842 alleles (0.00074%); highest among the groups gnomAD compares: East Asian, 0.0089%; no homozygotes.

Submissions (2):

Labcorp Genetics (formerly Invitae), Labcorp
Classification: Uncertain significance for Ciliary dyskinesia, primary, 37; Spermatogenic failure 18. Last evaluated: 2022-08-15. Review status: criteria provided, single submitter. Criteria: Invitae Variant Classification Sherloc (09022015). Collection method: clinical testing. Allele origin: germline.
Comment: This sequence change replaces threonine, which is neutral and polar, with methionine, which is neutral and non-polar, at codon 1372 of the DNAH1 protein (p.Thr1372Met). The frequency data for this variant in the population databases is considered unreliable, as metrics indicate poor data quality at this position in the gnomAD database. This missense change has been observed in individual(s) with multiple morphologic abnormalities of the sperm flagella (PMID: 28577616). ClinVar contains an entry for this variant (Variation ID: 1017348). Algorithms developed to predict the effect of missense changes on protein structure and function (SIFT, PolyPhen-2, Align-GVGD) all suggest that this variant is likely to be disruptive. In summary, the available evidence is currently insufficient to determine the role of this variant in disease. Therefore, it has been classified as a Variant of Uncertain Significance.

Juno Genomics, Hangzhou Juno Genomics, Inc
Classification: Uncertain significance for Ciliary dyskinesia, primary, 37; Spermatogenic failure 18. Review status: criteria provided, single submitter. Criteria: ACMG Guidelines, 2015. Collection method: clinical testing. Allele origin: germline.
Comment: Absent from controls (or at extremely low frequency if recessive) in Genome Aggregation Database.;For recessive disorders, detected in trans with a pathogenic variant.;Patient's phenotype or family history is highly specific for a disease with a single genetic etiology.

Literature cited by the submitters: PubMed 28577616 (cited by Labcorp Genetics (formerly Invitae), Labcorp).

NM_015512.5(DNAH1):c.4115C>T (p.Thr1372Met)

Gene: DNAH1 (dynein axonemal heavy chain 1; plus strand). Cytogenetic location: 3p21.1.
Variant type: single nucleotide variant.
Coding change: c.4115C>T on transcript NM_015512.5 (MANE Select); coding-DNA position 4115, C replaced by T.
Protein change: p.Thr1372Met; replaces threonine 1372 with methionine.
Molecular consequence: missense variant.
Genome position (GRCh38, 1-based): chr3:52,358,586, C>T. VCF-style: chr3-52358586-C-T. GRCh37 (hg19) VCF-style: chr3-52392602-C-T.
Other names: short protein forms T1372M.
Identifiers: ClinVar variation 1017348 (VCV001017348.4), dbSNP rs374644342, ClinGen allele CA2433814.
Genomic context (GRCh38, chr3:52,358,586, plus strand): 5'-TGACCCCACTCCTGCTCCTCCACTGCTTGCAGCTGCTATTCCAGGAGGACCTGGAGATCA[C>T]GCACATGTACTCAGCCGAGGGGGAGGAGGTACAGTTGTGCTTCTCCATCTACCCCTCCAG-3'
Protein context (NP_056327.4, residues 1362-1382): RLLFQEDLEI[Thr1372Met]HMYSAEGEEV